The following is an entry in ClinVar:

ClinVar aggregate classification (germline): Uncertain significance. Review status: criteria provided, single submitter (1 of 4 stars). 2 submissions from 2 submitters: Uncertain significance (1). 1 of the submissions does not count toward it. Last evaluated 2025-10-04.

Submissions (2):

Labcorp Genetics (formerly Invitae), Labcorp
Classification: Uncertain significance. Last evaluated: 2025-10-04. Review status: criteria provided, single submitter. Criteria: Invitae Variant Classification Sherloc (09022015). Collection method: clinical testing. Allele origin: germline.
Comment: This variant, c.136_138del, results in the deletion of 1 amino acid(s) of the WDR4 protein (p.Lys46del), but otherwise preserves the integrity of the reading frame. This variant is present in population databases (rs745805783, gnomAD 0.0009%). This variant has not been reported in the literature in individuals affected with WDR4-related conditions. Experimental studies and prediction algorithms are not available or were not evaluated, and the functional significance of this variant is currently unknown. In summary, the available evidence is currently insufficient to determine the role of this variant in disease. Therefore, it has been classified as a Variant of Uncertain Significance.

Department of Pathology and Laboratory Medicine, Sinai Health System
Classification: Uncertain significance. Review status: no assertion criteria provided. Collection method: clinical testing. Allele origin: unknown. Affected: yes. Study: The Canadian Open Genetics Repository (COGR). Not counted in ClinVar's aggregate classification.
Comment: The WDR4 p.Lys46del variant was not identified in the literature nor was it identified in ClinVar, Cosmic, or LOVD 3.0. The variant was identified in dbSNP (ID: rs745805783) and in control databases in 1 of 250682 chromosomes at a frequency of 0.000004 (Genome Aggregation Database Feb 27, 2017). The variant was observed in the European (non-Finnish) population in 1 of 113586 chromosomes (freq: 0.000009), but was not observed in the African, Latino, Ashkenazi Jewish, East Asian, European (Finnish), Other or South Asian populations. This variant is an in-frame deletion resulting in the removal of a lysine (Lys) residue at codon 46; the impact of this alteration on WDR4 protein function is not known. The variant occurs outside of the splicing consensus sequence and in silico or computational prediction software programs (SpliceSiteFinder, MaxEntScan, NNSPLICE, GeneSplicer) do not predict a difference in splicing. In summary, based on the above information the clinical significance of this variant cannot be determined with certainty at this time. This variant is classified as a variant of uncertain significance.

NM_018669.6(WDR4):c.133AAG[1] (p.Lys46del)

Gene: WDR4 (WDR4 tRNA N7-guanosine methyltransferase non-catalytic subunit; minus strand). Cytogenetic location: 21q22.3.
Variant type: Microsatellite.
Coding change: c.133AAG[1] on transcript NM_018669.6 (MANE Select); one copy of the 3-base unit AAG starting at c.133; the reference has two copies in a row; one copy, 3 bases deleted.
Protein change: p.Lys46del; deletes lysine 46.
Molecular consequence: inframe deletion. On other transcripts: 5 prime UTR variant (3), non-coding transcript variant (1).
Genome position (GRCh38, 1-based): chr21:42,876,719-42,876,721, CTT deleted on the plus strand (AAG on the coding strand, the reverse complement: WDR4 is on the minus strand); deleting any 3 consecutive bases within chr21:42,876,719-42,876,724 gives the same sequence; the position shown is the placement nearest the transcript's 3' end. VCF-style (leftmost placement, unchanged base first): chr21-42876718-ACTT-A. GRCh37 (hg19) VCF-style: chr21-44296828-ACTT-A.
Other names: c.133AAG[1], p.Lys46del (NM_001260474.2, NM_033661.5); c.-254AAG[1] (NM_001260475.2, NM_001260476.2, NM_001260477.2); short protein forms K46del.
Identifiers: ClinVar variation 1049184 (VCV001049184.2), dbSNP rs745805783, ClinGen allele CA10046258.